The following is an entry in ClinVar:

ClinVar aggregate classification (germline): Uncertain significance. Review status: criteria provided, multiple submitters, no conflicts (2 of 4 stars). 2 submissions from 2 submitters: Uncertain significance (2). Last evaluated 2024-01-05.

Conditions:
Adams-Oliver syndrome 5 (AOS5). Identifiers: Orphanet 974, MedGen C4014970, MONDO:0014459, OMIM 616028.

Submissions (2):

Labcorp Genetics (formerly Invitae), Labcorp
Classification: Uncertain significance for Adams-Oliver syndrome 5. Last evaluated: 2024-01-05. Review status: criteria provided, single submitter. Criteria: Invitae Variant Classification Sherloc (09022015). Collection method: clinical testing. Allele origin: germline.
Comment: This sequence change replaces alanine, which is neutral and non-polar, with glycine, which is neutral and non-polar, at codon 426 of the NOTCH1 protein (p.Ala426Gly). This variant is not present in population databases (gnomAD no frequency). This variant has not been reported in the literature in individuals affected with NOTCH1-related conditions. ClinVar contains an entry for this variant (Variation ID: 409047). Advanced modeling of protein sequence and biophysical properties (such as structural, functional, and spatial information, amino acid conservation, physicochemical variation, residue mobility, and thermodynamic stability) performed at Invitae indicates that this missense variant is not expected to disrupt NOTCH1 protein function with a negative predictive value of 95%. In summary, the available evidence is currently insufficient to determine the role of this variant in disease. Therefore, it has been classified as a Variant of Uncertain Significance.

Blueprint Genetics
Classification: Uncertain significance. Last evaluated: 2021-11-17. Review status: criteria provided, single submitter. Criteria: ACMG Guidelines, 2015. Collection method: clinical testing. Allele origin: germline.

NM_017617.5(NOTCH1):c.1277C>G (p.Ala426Gly)

Gene: NOTCH1 (notch receptor 1; minus strand). Cytogenetic location: 9q34.3.
Variant type: single nucleotide variant.
Coding change: c.1277C>G on transcript NM_017617.5 (MANE Select); coding-DNA position 1277, C replaced by G.
Protein change: p.Ala426Gly; replaces alanine 426 with glycine.
Molecular consequence: missense variant.
Genome position (GRCh38, 1-based): chr9:136,517,916, G>C on the plus strand (C>G on the coding strand, the complement: NOTCH1 is on the minus strand). VCF-style: chr9-136517916-G-C. GRCh37 (hg19) VCF-style: chr9-139412368-G-C.
Other names: c.1277C>G, p.Ala426Gly (LRG_1122t1); short protein forms A426G.
Identifiers: ClinVar variation 409047 (VCV000409047.9), dbSNP rs528033027, ClinGen allele CA16612753.
Genomic context (GRCh38, chr9:136,517,916, plus strand): 5'-CCCGTGTAGCCCTGCAGACACTGGCACTCGAAGGAGCCCAGCGTGTTGATGCACTTGCCC[G>C]CATGCTCGCAGGGGTTGGCACCTGGCGAGGGCACACGGGTGAGAGGCTGCTCCAGGCACC-3'
Protein context (NP_060087.3, residues 416-436): CSLGANPCEH[Ala426Gly]GKCINTLGSF